The following is an entry in ClinVar:

ClinVar aggregate classification (germline): Uncertain significance. Review status: criteria provided, multiple submitters, no conflicts (2 of 4 stars). 2 submissions from 2 submitters: Uncertain significance (2). Last evaluated 2025-09-05.

Conditions:
Methylmalonic acidemia due to methylmalonyl-CoA epimerase deficiency. Also called: Methylmalonyl-CoA Epimerase Deficiency; METHYLMALONIC ACIDURIA III; METHYLMALONYL-CoA RACEMASE DEFICIENCY. Identifiers: Orphanet 308425, MedGen C1855100, MONDO:0009615, OMIM 251120.
Inborn genetic diseases. Identifiers: MedGen C0950123, MeSH D030342.

Allele frequency attached by ClinVar (database versions not stated): gnomAD 0.00001; gnomAD exomes 0.00003; TOPMed 0.00006; ExAC 0.00018.
gnomAD v4.1: 40 of 1,609,012 alleles (0.0025%); highest among the groups gnomAD compares: Admixed American, 0.067%; no homozygotes.

Submissions (2):

Ambry Genetics
Classification: Uncertain significance for Inborn genetic diseases. Last evaluated: 2025-09-05. Review status: criteria provided, single submitter. Criteria: Ambry Variant Classification Scheme 2023. Collection method: clinical testing. Allele origin: germline.

Labcorp Genetics (formerly Invitae), Labcorp
Classification: Uncertain significance for Methylmalonic acidemia due to methylmalonyl-CoA epimerase deficiency. Last evaluated: 2022-06-15. Review status: criteria provided, single submitter. Criteria: Invitae Variant Classification Sherloc (09022015). Collection method: clinical testing. Allele origin: germline.
Comment: This sequence change replaces valine, which is neutral and non-polar, with alanine, which is neutral and non-polar, at codon 13 of the MCEE protein (p.Val13Ala). This variant is present in population databases (rs746939893, gnomAD 0.1%). This variant has not been reported in the literature in individuals affected with MCEE-related conditions. Algorithms developed to predict the effect of missense changes on protein structure and function output the following: SIFT: "Tolerated"; PolyPhen-2: "Benign"; Align-GVGD: "Class C0". The alanine amino acid residue is found in multiple mammalian species, which suggests that this missense change does not adversely affect protein function. Algorithms developed to predict the effect of sequence changes on RNA splicing suggest that this variant may disrupt the consensus splice site. In summary, the available evidence is currently insufficient to determine the role of this variant in disease. Therefore, it has been classified as a Variant of Uncertain Significance.

NM_032601.4(MCEE):c.38T>C (p.Val13Ala)

Gene: MCEE (methylmalonyl-CoA epimerase; minus strand). Cytogenetic location: 2p13.3.
Variant type: single nucleotide variant.
Coding change: c.38T>C on transcript NM_032601.4 (MANE Select); coding-DNA position 38, T replaced by C.
Protein change: p.Val13Ala; replaces valine 13 with alanine.
Molecular consequence: missense variant.
Genome position (GRCh38, 1-based): chr2:71,130,182, A>G on the plus strand (T>C on the coding strand, the complement: MCEE is on the minus strand). VCF-style: chr2-71130182-A-G. GRCh37 (hg19) VCF-style: chr2-71357312-A-G.
Other names: c.38T>C (NM_032601.3); short protein forms V13A.
Identifiers: ClinVar variation 2081936 (VCV002081936.2), dbSNP rs746939893, ClinGen allele CA1702680.